The following is an entry in ClinVar:

NM_000343.4(SLC5A1):c.938G>A (p.Gly313Asp)

Gene: SLC5A1 (solute carrier family 5 member 1; plus strand). Cytogenetic location: 22q12.3.
Variant type: single nucleotide variant.
Coding change: c.938G>A on transcript NM_000343.4 (MANE Select); coding-DNA position 938, G replaced by A.
Protein change: p.Gly313Asp; replaces glycine 313 with aspartic acid.
Molecular consequence: missense variant.
Genome position (GRCh38, 1-based): chr22:32,084,952, G>A. VCF-style: chr22-32084952-G-A. GRCh37 (hg19) VCF-style: chr22-32480939-G-A.
Other names: c.557G>A, p.Gly186Asp (NM_001256314.2); short protein forms G313D, G186D.
Identifiers: ClinVar variation 900678 (VCV000900678.5), dbSNP rs1336341879, ClinGen allele CA411305855.

ClinVar aggregate classification (germline): Uncertain significance. Review status: criteria provided, multiple submitters, no conflicts (2 of 4 stars). 2 submissions from 2 submitters: Uncertain significance (2). Last evaluated 2022-04-19.

Conditions:
Congenital glucose-galactose malabsorption (GGM). Also called: MONOSACCHARIDE MALABSORPTION; DIARRHEA 16. Identifiers: Orphanet 35710, MedGen C0268186, MONDO:0011731, OMIM 606824.

Allele frequency attached by ClinVar (database versions not stated): gnomAD 0.00001; TOPMed 0.00001.
gnomAD v4.1: 1 of 1,614,064 alleles (0.000062%); highest among the groups gnomAD compares: Non-Finnish European, 0.000085%; no homozygotes.

Submissions (2):

Fulgent Genetics
Classification: Uncertain significance for Congenital glucose-galactose malabsorption. Last evaluated: 2022-04-19. Review status: criteria provided, single submitter. Criteria: ACMG Guidelines, 2015. Collection method: clinical testing. Allele origin: unknown.

Illumina Laboratory Services, Illumina
Classification: Uncertain significance for Congenital glucose-galactose malabsorption. Last evaluated: 2017-04-28. Review status: criteria provided, single submitter. Criteria: ICSL Variant Classification Criteria 13 December 2019. Collection method: clinical testing. Allele origin: germline.
Comment: This variant was observed as part of a predisposition screen in an ostensibly healthy population. A literature search was performed for the gene, cDNA change, and amino acid change (where applicable). Publications were found based on this search. However, the evidence from the literature, in combination with allele frequency data from public databases where available, was not sufficient to rule this variant in or out of causing disease. Therefore, this variant is classified as a variant of unknown significance.

Literature cited by the submitters: PubMed 22314875 (cited by Illumina Laboratory Services, Illumina).